The following is an entry in ClinVar:

ClinVar aggregate classification (germline): Pathogenic. Review status: criteria provided, multiple submitters, no conflicts (2 of 4 stars). 5 submissions from 5 submitters: Pathogenic (5). Last evaluated 2025-05-27.

Conditions:
Neuromuscular disease caused by qualitative or quantitative defects of dysferlin. Also called: Dysferlinopathy; Qualitative or quantitative defects of dysferlin. Identifiers: Orphanet 207073, MedGen C2931687, MONDO:0016145.
Autosomal recessive limb-girdle muscular dystrophy type 2B (LGMDR2). Also called: MUSCULAR DYSTROPHY, LIMB-GIRDLE, TYPE 3; Limb-Girdle Muscular Dystrophy Type 2B (LGMD2B); Limb-girdle muscular dystrophy, type 2B; MUSCULAR DYSTROPHY, LIMB-GIRDLE, AUTOSOMAL RECESSIVE 2. Identifiers: Orphanet 268, MedGen C1850889, MONDO:0009676, OMIM 253601.
Miyoshi muscular dystrophy 1 (MMD1). Identifiers: Orphanet 45448, MedGen C4551973, MONDO:0024545, OMIM 254130.

Allele frequency attached by ClinVar (database versions not stated): gnomAD exomes below 0.00001 and 0.00001; ExAC 0.00001; gnomAD 0.00001; TOPMed 0.00002.

Submissions (5):

Labcorp Genetics (formerly Invitae), Labcorp
Classification: Pathogenic for Neuromuscular disease caused by qualitative or quantitative defects of dysferlin. Last evaluated: 2025-05-27. Review status: criteria provided, single submitter. Criteria: Invitae Variant Classification Sherloc (09022015). Collection method: clinical testing. Allele origin: germline.
Comment: This sequence change creates a premature translational stop signal (p.Lys1123Glufs*2) in the DYSF gene. It is expected to result in an absent or disrupted protein product. Loss-of-function variants in DYSF are known to be pathogenic (PMID: 17698709, 20301480). This variant is present in population databases (rs748542672, gnomAD 0.007%). This premature translational stop signal has been observed in individual(s) with clinical features of DYSF-related conditions (PMID: 34281941). ClinVar contains an entry for this variant (Variation ID: 284027). For these reasons, this variant has been classified as Pathogenic.

Natera, Inc.
Classification: Pathogenic for Limb-girdle muscular dystrophy type 2B. Last evaluated: 2024-11-21. Review status: criteria provided, single submitter. Criteria: Natera Variant Classification Schema (03/2026). Collection method: clinical testing. Allele origin: germline.
Comment: The c.3367_3368delAA variant in DYSF is a frameshift variant predicted to shift the reading frame beginning at codon 1123 and leads to a stop codon 2 codons downstream. This variant is expected to result in nonsense mediated decay, truncation, or a dysfunctional protein product. This variant is rare in the general population with a frequency below the threshold expected for the associated phenotype(s). This variant has been observed in one or more individuals affected with the associated recessive disease, as either homozygous or compound heterozygous with a second variant (PMID: 34281941). Given the available evidence, this variant is classified as Pathogenic.

Revvity Omics, Revvity
Classification: Pathogenic. Last evaluated: 2023-09-13. Review status: criteria provided, single submitter. Criteria: ACMG Guidelines, 2015. Collection method: clinical testing. Allele origin: germline.

Baylor Genetics
Classification: Pathogenic for Miyoshi muscular dystrophy 1. Last evaluated: 2023-09-07. Review status: criteria provided, single submitter. Criteria: ACMG Guidelines, 2015. Collection method: clinical testing. Allele origin: unknown.

Eurofins Ntd Llc (ga)
Classification: Pathogenic. Last evaluated: 2015-11-11. Review status: criteria provided, single submitter. Criteria: EGL Classification Definitions 2015. Collection method: clinical testing. Allele origin: germline. Observed: 1 variant allele, 1 heterozygote.

Literature cited by the submitters: PubMed 17698709 (cited by Labcorp Genetics (formerly Invitae), Labcorp); PubMed 20301480 (cited by Labcorp Genetics (formerly Invitae), Labcorp); PubMed 34281941 (cited by Labcorp Genetics (formerly Invitae), Labcorp and Natera, Inc.).

NM_001130987.2(DYSF):c.3421_3422del (p.Lys1141fs)

Gene: DYSF (dysferlin; plus strand). Cytogenetic location: 2p13.2.
Variant type: Deletion.
Coding change: c.3421_3422del on transcript NM_001130987.2 (MANE Select); coding-DNA positions 3421 to 3422, 2 bases deleted (AA; older notation c.3421_3422delAA).
Protein change: p.Lys1141fs; shifts the reading frame from lysine 1141.
Molecular consequence: frameshift variant.
Genome position (GRCh38, 1-based): chr2:71,589,611-71,589,612, AA deleted. VCF-style (leftmost placement, unchanged base first): chr2-71589610-CAA-C. GRCh37 (hg19) VCF-style: chr2-71816740-CAA-C.
Other names: c.3370_3371del, p.Lys1124fs (NM_001130455.2, NM_001130983.2); c.3325_3326del, p.Lys1109fs (NM_001130976.2, NM_001130977.2); c.3367_3368del, p.Lys1123fs (NM_001130978.2, NM_003494.4); c.3460_3461del, p.Lys1154fs (NM_001130979.2); c.3418_3419del, p.Lys1140fs (NM_001130980.2, NM_001130981.2); c.3463_3464del, p.Lys1155fs (NM_001130982.2); c.3328_3329del, p.Lys1110fs (NM_001130984.2, NM_001130986.2); c.3421_3422del, p.Lys1141fs (NM_001130985.2); and 1 more; short protein forms K1124fs, K1141fs, K1154fs, K1123fs, K1140fs, K1155fs, K1109fs, K1110fs.
Identifiers: ClinVar variation 284027 (VCV000284027.17), dbSNP rs748542672, ClinGen allele CA1706558.